The following is an entry in ClinVar:

NM_006440.5(TXNRD2):c.821G>A (p.Arg274Gln)

Gene: TXNRD2 (thioredoxin reductase 2; minus strand). Cytogenetic location: 22q11.21.
Variant type: single nucleotide variant.
Coding change: c.821G>A on transcript NM_006440.5 (MANE Select); coding-DNA position 821, G replaced by A.
Protein change: p.Arg274Gln; replaces arginine 274 with glutamine.
Molecular consequence: missense variant. On other transcripts: non-coding transcript variant (1).
Genome position (GRCh38, 1-based): chr22:19,895,535, C>T on the plus strand (G>A on the coding strand, the complement: TXNRD2 is on the minus strand). VCF-style: chr22-19895535-C-T. GRCh37 (hg19) VCF-style: chr22-19883058-C-T.
Other names: c.821G>A, p.Arg274Gln (NM_001282512.3); c.818G>A, p.Arg273Gln (NM_001352300.2); c.731G>A, p.Arg244Gln (NM_001352301.2); c.533G>A, p.Arg178Gln (NM_001352302.2); c.725G>A, p.Arg242Gln (NM_001352303.2); short protein forms R274Q, R178Q, R242Q, R244Q, R273Q.
Identifiers: ClinVar variation 573013 (VCV000573013.13), dbSNP rs374364917, ClinGen allele CA10103969.

ClinVar aggregate classification (germline): Conflicting classifications of pathogenicity. Review status: criteria provided, conflicting classifications (1 of 4 stars). 2 submissions from 2 submitters: Uncertain significance (1); Likely benign (1). Last evaluated 2025-06-02.

Conditions:
Primary dilated cardiomyopathy (DCM). Also called: Dilated Cardiomyopathy. Identifiers: Orphanet 217604, MedGen C0007193, MeSH D002311, MONDO:0005021, HP:0001644. Inheritance: Various modes of inheritance.
Cardiovascular phenotype. Identifiers: MedGen CN230736.

Allele frequency attached by ClinVar (database versions not stated): ExAC 0.00004; gnomAD exomes 0.00006; ESP Exome Variant Server 0.00008; TOPMed 0.00010; gnomAD 0.00013; 1000 Genomes Project 30x 0.00016.
gnomAD v4.1: 102 of 1,613,540 alleles (0.0063%); highest among the groups gnomAD compares: Admixed American, 0.025%; no homozygotes.

Submissions (2):

Labcorp Genetics (formerly Invitae), Labcorp
Classification: Uncertain significance for Primary dilated cardiomyopathy. Last evaluated: 2025-06-02. Review status: criteria provided, single submitter. Criteria: Invitae Variant Classification Sherloc (09022015). Collection method: clinical testing. Allele origin: germline.
Comment: This sequence change replaces arginine, which is basic and polar, with glutamine, which is neutral and polar, at codon 274 of the TXNRD2 protein (p.Arg274Gln). This variant is present in population databases (rs374364917, gnomAD 0.01%). This variant has not been reported in the literature in individuals affected with TXNRD2-related conditions. ClinVar contains an entry for this variant (Variation ID: 573013). Invitae Evidence Modeling of protein sequence and biophysical properties (such as structural, functional, and spatial information, amino acid conservation, physicochemical variation, residue mobility, and thermodynamic stability) indicates that this missense variant is not expected to disrupt TXNRD2 protein function with a negative predictive value of 80%. In summary, the available evidence is currently insufficient to determine the role of this variant in disease. Therefore, it has been classified as a Variant of Uncertain Significance.

Ambry Genetics
Classification: Likely benign for Cardiovascular phenotype. Last evaluated: 2024-12-21. Review status: criteria provided, single submitter. Criteria: Ambry Variant Classification Scheme 2023. Collection method: clinical testing. Allele origin: germline.